The following is an entry in ClinVar:

NM_005660.3(SLC35A2):c.339C>G (p.Leu113=)

Gene: SLC35A2 (solute carrier family 35 member A2; minus strand). Cytogenetic location: Xp11.23.
Variant type: single nucleotide variant.
Coding change: c.339C>G on transcript NM_005660.3 (MANE Select); coding-DNA position 339, C replaced by G.
Protein change: p.Leu113=; no amino-acid change (leucine 113 retained).
Molecular consequence: synonymous variant.
Genome position (GRCh38, 1-based): chrX:48,906,479, G>C on the plus strand (C>G on the coding strand, the complement: SLC35A2 is on the minus strand). VCF-style: chrX-48906479-G-C. GRCh37 (hg19) VCF-style: chrX-48763756-G-C.
Other names: c.339C>G, p.Leu113= (NM_001032289.3, NM_001042498.3, NM_001282647.2); c.267C>G, p.Leu89= (NM_001282648.2); c.156C>G, p.Leu52= (NM_001282649.2); c.378C>G, p.Leu126= (NM_001282650.2); c.423C>G, p.Leu141= (NM_001282651.2).
Identifiers: ClinVar variation 1160695 (VCV001160695.11), dbSNP rs782701176, ClinGen allele CA10406157.

ClinVar aggregate classification (germline): Likely benign. Review status: criteria provided, multiple submitters, no conflicts (2 of 4 stars). 2 submissions from 2 submitters: Likely benign (2). Last evaluated 2026-06-01.

Conditions:
SLC35A2-congenital disorder of glycosylation. Also called: SLC35A2-CDG; DEVELOPMENTAL AND EPILEPTIC ENCEPHALOPATHY 22; CONGENITAL DISORDER OF GLYCOSYLATION, TYPE IIm; CDG IIm; CONGENITAL DISORDER OF GLYCOSYLATION, TYPE IIm, SOMATIC MOSAIC; EPILEPTIC ENCEPHALOPATHY, EARLY INFANTILE, 22. Identifiers: Orphanet 356961, MedGen C3806688, MONDO:0010478, OMIM 300896.

Allele frequency attached by ClinVar (database versions not stated): gnomAD exomes below 0.00001 and 0.00001; ExAC 0.00001; gnomAD 0.00002; TOPMed 0.00002.
gnomAD v4.1: 7 of 1,207,196 alleles (0.00058%); highest among the groups gnomAD compares: African/African-American, 0.0053%; no homozygotes.

Submissions (2):

CeGaT Center for Human Genetics Tuebingen
Classification: Likely benign. Last evaluated: 2026-06-01. Review status: criteria provided, single submitter. Criteria: CeGaT Center For Human Genetics Tuebingen Variant Classification Criteria Version 2. Collection method: clinical testing. Allele origin: germline. Affected: yes. Observed: 1 variant allele.
Comment: SLC35A2: BP4, BP7

Labcorp Genetics (formerly Invitae), Labcorp
Classification: Likely benign for SLC35A2-congenital disorder of glycosylation. Last evaluated: 2025-11-28. Review status: criteria provided, single submitter. Criteria: Invitae Variant Classification Sherloc (09022015). Collection method: clinical testing. Allele origin: germline.